The following is an entry in ClinVar:

NM_015450.3(POT1):c.851A>T (p.Asp284Val)

Gene: POT1 (protection of telomeres 1; minus strand). Cytogenetic location: 7q31.33.
Variant type: single nucleotide variant.
Coding change: c.851A>T on transcript NM_015450.3 (MANE Select); coding-DNA position 851, A replaced by T.
Protein change: p.Asp284Val; replaces aspartic acid 284 with valine.
Molecular consequence: missense variant. On other transcripts: non-coding transcript variant (3).
Genome position (GRCh38, 1-based): chr7:124,852,990, T>A on the plus strand (A>T on the coding strand, the complement: POT1 is on the minus strand). VCF-style: chr7-124852990-T-A. GRCh37 (hg19) VCF-style: chr7-124493044-T-A.
Other names: c.458A>T, p.Asp153Val (NM_001042594.2); short protein forms D153V, D284V.
Identifiers: ClinVar variation 2064626 (VCV002064626.4), dbSNP rs2485441305, ClinGen allele CA369055220.

ClinVar aggregate classification (germline): Uncertain significance (1 of 4 stars; one submission).

Conditions:
Tumor predisposition syndrome 3 (TPDS3). Also called: Melanoma, cutaneous malignant, susceptibility to, 10; Glioma susceptibility 9; LONG TELOMERE SYNDROME, POT1-RELATED; POT1 Tumor Predisposition. Identifiers: Orphanet 618, MedGen C4014476, MONDO:0014368, OMIM 615848.

Submission:

Labcorp Genetics (formerly Invitae), Labcorp
Classification: Uncertain significance for Tumor predisposition syndrome 3. Last evaluated: 2024-11-10. Review status: criteria provided, single submitter. Criteria: Invitae Variant Classification Sherloc (09022015). Collection method: clinical testing. Allele origin: germline.
Comment: This sequence change replaces aspartic acid, which is acidic and polar, with valine, which is neutral and non-polar, at codon 284 of the POT1 protein (p.Asp284Val). This variant is not present in population databases (gnomAD no frequency). This variant has not been reported in the literature in individuals affected with POT1-related conditions. ClinVar contains an entry for this variant (Variation ID: 2064626). Invitae Evidence Modeling of protein sequence and biophysical properties (such as structural, functional, and spatial information, amino acid conservation, physicochemical variation, residue mobility, and thermodynamic stability) indicates that this missense variant is not expected to disrupt POT1 protein function with a negative predictive value of 80%. In summary, the available evidence is currently insufficient to determine the role of this variant in disease. Therefore, it has been classified as a Variant of Uncertain Significance.